The following is an entry in ClinVar:

ClinVar aggregate classification (germline): Uncertain significance. Review status: criteria provided, multiple submitters, no conflicts (2 of 4 stars). 3 submissions from 3 submitters: Uncertain significance (3). Last evaluated 2025-10-21.

Conditions:
MAGEL2-related disorder. Also called: MAGEL2-related condition.

Submissions (3):

PreventionGenetics, part of Exact Sciences
Classification: Uncertain significance for MAGEL2-related condition. Last evaluated: 2025-10-21. Review status: criteria provided, single submitter. Criteria: ACMG Guidelines, 2015. Collection method: clinical testing. Allele origin: germline.
Comment: The MAGEL2 c.719_748del30 variant is predicted to result in an in-frame deletion (p.Ala240_Met249del). To our knowledge, this variant has not been reported in the literature. This variant is reported in 0.019% of alleles in individuals of African descent in gnomAD. At this time, the clinical significance of this variant is uncertain due to the absence of conclusive functional and genetic evidence.

Labcorp Genetics (formerly Invitae), Labcorp
Classification: Uncertain significance. Last evaluated: 2023-05-23. Review status: criteria provided, single submitter. Criteria: Invitae Variant Classification Sherloc (09022015). Collection method: clinical testing. Allele origin: germline.
Comment: In summary, the available evidence is currently insufficient to determine the role of this variant in disease. Therefore, it has been classified as a Variant of Uncertain Significance. Experimental studies and prediction algorithms are not available or were not evaluated, and the functional significance of this variant is currently unknown. This variant has not been reported in the literature in individuals affected with MAGEL2-related conditions. This variant is present in population databases (rs765280003, gnomAD 0.02%). This variant, c.719_748del, results in the deletion of 10 amino acid(s) of the MAGEL2 protein (p.Ala240_Met249del), but otherwise preserves the integrity of the reading frame.

GeneDx
Classification: Uncertain significance. Last evaluated: 2022-11-18. Review status: criteria provided, single submitter. Criteria: GeneDx Variant Classification Process June 2021. Collection method: clinical testing. Allele origin: germline. Affected: yes.
Comment: In-frame deletion of 10 amino acids in a non-repeat region; Has not been previously published as pathogenic or benign to our knowledge

NM_019066.5(MAGEL2):c.719_748del (p.Ala240_Met249del)

Gene: MAGEL2 (MAGE family member L2; minus strand). Cytogenetic location: 15q11.2.
Variant type: Deletion.
Coding change: c.719_748del on transcript NM_019066.5 (MANE Select); coding-DNA positions 719 to 748, 30 bases deleted (CCCAGCCTCTGACTCCGGGAGTCCTGATGG).
Protein change: p.Ala240_Met249del.
Molecular consequence: inframe deletion.
Genome position (GRCh38, 1-based): chr15:23,646,995-23,647,024, CCATCAGGACTCCCGGAGTCAGAGGCTGGG deleted on the plus strand (CCCAGCCTCTGACTCCGGGAGTCCTGATGG on the coding strand, the reverse complement: MAGEL2 is on the minus strand); deleting any 30 consecutive bases within chr15:23,646,995-23,647,042 gives the same sequence; the c. name uses the placement nearest the transcript's 3' end. VCF-style (leftmost placement, unchanged base first): chr15-23646994-ACCATCAGGACTCCCGGAGTCAGAGGCTGGG-A. GRCh37 (hg19) VCF-style: chr15-23892141-ACCATCAGGACTCCCGGAGTCAGAGGCTGGG-A.
Other names: c.719_748del30 (NM_019066.4).
Identifiers: ClinVar variation 2502479 (VCV002502479.5), dbSNP rs765280003, ClinGen allele CA7430083.
Genomic context (GRCh38, chr15:23,646,994, plus strand): 5'-TGGGTCATCATGGCTGCTGGAGGCGGCTGGACCATCGGTGCTCCCGGAGCAGCAGGCTGG[ACCATCAGGACTCCCGGAGTCAGAGGCTGGG>A]CCATCAGGACTCCCGGAGCTGGAGGCTGGGCCATCGGTGTACCCGGAGGGGGAGGATGAG-3'